The following is an entry in ClinVar:

NM_001372051.1(CASP8):c.306-1992G>A

Gene: CASP8 (caspase 8; plus strand). Cytogenetic location: 2q33.1.
Variant type: single nucleotide variant.
Coding change: c.306-1992G>A on transcript NM_001372051.1 (MANE Select); 1992 bases into the intron before coding-DNA position 306, G replaced by A.
Molecular consequence: intron variant. On other transcripts: missense variant (1).
Genome position (GRCh38, 1-based): chr2:201,269,524, G>A. VCF-style: chr2-201269524-G-A. GRCh37 (hg19) VCF-style: chr2-202134247-G-A.
Other names: c.320G>A, p.Arg107His (NM_001228.5); c.306-1992G>A (NM_001400651.1, NM_001400663.1, NM_001400657.1 and 20 more transcripts); c.-227-1992G>A (NM_001400677.1, NM_001400750.1, NM_001400751.1 and 6 more transcripts); c.-4-1992G>A (NM_001400669.1); c.-306-1992G>A (NM_001400680.1); c.483-1992G>A (NM_001080125.2, NM_001400642.1, NM_001400665.1); c.-408-1992G>A (NM_001400674.1); short protein forms R107H.
Identifiers: ClinVar variation 2157440 (VCV002157440.1), dbSNP rs368609027, ClinGen allele CA2053493.

ClinVar aggregate classification (germline): Uncertain significance (1 of 4 stars; one submission).

Conditions:
Autoimmune lymphoproliferative syndrome type 2B. Also called: AUTOIMMUNE LYMPHOPROLIFERATIVE SYNDROME, TYPE IIB. Identifiers: Orphanet 275517, MedGen C1846545, MONDO:0011804, OMIM 607271.

Allele frequency attached by ClinVar (database versions not stated): gnomAD exomes 0.00002; ExAC 0.00004; gnomAD 0.00005; TOPMed 0.00005; ESP Exome Variant Server 0.00017.
gnomAD v4.1: 39 of 1,612,676 alleles (0.0024%); highest among the groups gnomAD compares: African/African-American, 0.0093%; no homozygotes.

Submission:

Labcorp Genetics (formerly Invitae), Labcorp
Classification: Uncertain significance for Autoimmune lymphoproliferative syndrome type 2B. Last evaluated: 2022-06-21. Review status: criteria provided, single submitter. Criteria: Invitae Variant Classification Sherloc (09022015). Collection method: clinical testing. Allele origin: germline.
Comment: This sequence change replaces arginine, which is basic and polar, with histidine, which is basic and polar, at codon 107 of the CASP8 protein (p.Arg107His). This variant is present in population databases (rs368609027, gnomAD 0.02%). This variant has not been reported in the literature in individuals affected with CASP8-related conditions. Algorithms developed to predict the effect of missense changes on protein structure and function output the following: SIFT: "Deleterious"; PolyPhen-2: "Benign"; Align-GVGD: "Class C0". The histidine amino acid residue is found in multiple mammalian species, which suggests that this missense change does not adversely affect protein function. In summary, the available evidence is currently insufficient to determine the role of this variant in disease. Therefore, it has been classified as a Variant of Uncertain Significance.